The following is an entry in ClinVar:

NM_001371279.1(REEP1):c.56C>G (p.Pro19Arg)

Gene: REEP1 (receptor accessory protein 1; minus strand). Cytogenetic location: 2p11.2.
Variant type: single nucleotide variant.
Coding change: c.56C>G on transcript NM_001371279.1 (MANE Select); coding-DNA position 56, C replaced by G.
Protein change: p.Pro19Arg; replaces proline 19 with arginine.
Molecular consequence: missense variant. On other transcripts: intron variant (1).
Genome position (GRCh38, 1-based): chr2:86,282,219, G>C on the plus strand (C>G on the coding strand, the complement: REEP1 is on the minus strand). VCF-style: chr2-86282219-G-C. GRCh37 (hg19) VCF-style: chr2-86509342-G-C.
Other names: c.77C>G, p.Pro26Arg (NM_001164730.2); c.56C>G, p.Pro19Arg (NM_001164732.2, NM_001371280.1, NM_022912.3); c.25-18178C>G (NM_001164731.2); short protein forms P19R, P26R.
Identifiers: ClinVar variation 411807 (VCV000411807.11), dbSNP rs1060503496, ClinGen allele CA16611232.

ClinVar aggregate classification (germline): Likely pathogenic. Review status: criteria provided, multiple submitters, no conflicts (2 of 4 stars). 2 submissions from 2 submitters: Likely pathogenic (2). Last evaluated 2025-12-14.

Conditions:
Hereditary spastic paraplegia 31. Also called: SPASTIC PARAPLEGIA 31, AUTOSOMAL DOMINANT. Identifiers: Orphanet 101011, MedGen C1853247, MONDO:0012453, OMIM 610250.

Submissions (2):

Labcorp Genetics (formerly Invitae), Labcorp
Classification: Likely pathogenic for Hereditary spastic paraplegia 31. Last evaluated: 2025-12-14. Review status: criteria provided, single submitter. Criteria: Invitae Variant Classification Sherloc (09022015). Collection method: clinical testing. Allele origin: germline.
Comment: This sequence change replaces proline, which is neutral and non-polar, with arginine, which is basic and polar, at codon 19 of the REEP1 protein (p.Pro19Arg). This variant is not present in population databases (gnomAD no frequency). This missense change has been observed in individual(s) with hereditary spastic paraplegia (PMID: 18321925, 26671083). It has also been observed to segregate with disease in related individuals. ClinVar contains an entry for this variant (Variation ID: 411807). Invitae Evidence Modeling of protein sequence and biophysical properties (such as structural, functional, and spatial information, amino acid conservation, physicochemical variation, residue mobility, and thermodynamic stability) indicates that this missense variant is expected to disrupt REEP1 protein function with a positive predictive value of 95%. Experimental studies have shown that this missense change affects REEP1 function (PMID: 24478229, 26201691). In summary, the currently available evidence indicates that the variant is pathogenic, but additional data are needed to prove that conclusively. Therefore, this variant has been classified as Likely Pathogenic.

GeneDx
Classification: Likely pathogenic. Last evaluated: 2024-12-12. Review status: criteria provided, single submitter. Criteria: GeneDx Variant Classification Process June 2021. Collection method: clinical testing. Allele origin: germline. Affected: yes.
Comment: Published functional studies demonstrate P19R mislocalizes to lipid droplets and acts as a loss-of-function variant (PMID: 39368994, 24478229); Not observed at significant frequency in large population cohorts (gnomAD); In silico analysis supports that this missense variant has a deleterious effect on protein structure/function; This variant is associated with the following publications: (PMID: 18321925, 24478229, 39368994, 26201691, 26671083)

Literature cited by the submitters: PubMed 18321925 (cited by Labcorp Genetics (formerly Invitae), Labcorp); PubMed 26671083 (cited by Labcorp Genetics (formerly Invitae), Labcorp); PubMed 24478229 (cited by Labcorp Genetics (formerly Invitae), Labcorp); PubMed 26201691 (cited by Labcorp Genetics (formerly Invitae), Labcorp).